The following is an entry in ClinVar:

NM_000218.3(KCNQ1):c.1032+1G>C

Gene: KCNQ1 (potassium voltage-gated channel subfamily Q member 1; plus strand). Cytogenetic location: 11p15.5.
Variant type: single nucleotide variant.
Coding change: c.1032+1G>C on transcript NM_000218.3 (MANE Select); the canonical splice donor site of the intron after coding-DNA position 1032, G replaced by C.
Molecular consequence: splice donor variant.
Genome position (GRCh38, 1-based): chr11:2,583,546, G>C. VCF-style: chr11-2583546-G-C. GRCh37 (hg19) VCF-style: chr11-2604776-G-C.
Other names: c.762+1G>C (NM_001406837.1); c.1032+1G>C (NM_001406836.1); c.588+1G>C (NM_001406838.1); c.651+1G>C (NM_181798.2).
Identifiers: ClinVar variation 2017498 (VCV002017498.4), dbSNP rs397508070, ClinGen allele CA379133135.

ClinVar aggregate classification (germline): Pathogenic (1 of 4 stars; one submission).

Conditions:
Long QT syndrome (LQTS). Identifiers: MedGen C0023976, MeSH D008133, MONDO:0002442. Disease mechanism: loss of function. Inheritance: Various modes of inheritance.

Submission:

Labcorp Genetics (formerly Invitae), Labcorp
Classification: Pathogenic for Long QT syndrome. Last evaluated: 2022-09-20. Review status: criteria provided, single submitter. Criteria: Invitae Variant Classification Sherloc (09022015). Collection method: clinical testing. Allele origin: germline.
Comment: For these reasons, this variant has been classified as Pathogenic. Algorithms developed to predict the effect of sequence changes on RNA splicing suggest that this variant may disrupt the consensus splice site. Disruption of this splice site has been observed in individuals with long QT syndrome (PMID: 26132555, 34319147). This variant is not present in population databases (gnomAD no frequency). This sequence change affects a donor splice site in intron 7 of the KCNQ1 gene. It is expected to disrupt RNA splicing. Variants that disrupt the donor or acceptor splice site typically lead to a loss of protein function (PMID: 16199547), and loss-of-function variants in KCNQ1 are known to be pathogenic (PMID: 9323054, 19862833).

Literature cited by the submitters: PubMed 26132555; PubMed 34319147; PubMed 16199547; PubMed 9323054; PubMed 19862833.